The following is an entry in ClinVar:

NM_001846.4(COL4A2):c.2086G>A (p.Gly696Ser)

Gene: COL4A2 (collagen type IV alpha 2 chain; plus strand). Cytogenetic location: 13q34.
Variant type: single nucleotide variant.
Coding change: c.2086G>A on transcript NM_001846.4 (MANE Select); coding-DNA position 2086, G replaced by A.
Protein change: p.Gly696Ser; replaces glycine 696 with serine.
Molecular consequence: missense variant.
Genome position (GRCh38, 1-based): chr13:110,467,087, G>A. VCF-style: chr13-110467087-G-A. GRCh37 (hg19) VCF-style: chr13-111119434-G-A.
Other names: short protein forms G696S.
Identifiers: ClinVar variation 1720945 (VCV001720945.5), dbSNP rs2502130864, ClinGen allele CA388740386.

ClinVar aggregate classification (germline): Uncertain significance (1 of 4 stars; one submission).

Submission:

Labcorp Genetics (formerly Invitae), Labcorp
Classification: Uncertain significance. Last evaluated: 2022-10-04. Review status: criteria provided, single submitter. Criteria: Invitae Variant Classification Sherloc (09022015). Collection method: clinical testing. Allele origin: germline.
Comment: In summary, the available evidence is currently insufficient to determine the role of this variant in disease. Therefore, it has been classified as a Variant of Uncertain Significance. Advanced modeling of protein sequence and biophysical properties (such as structural, functional, and spatial information, amino acid conservation, physicochemical variation, residue mobility, and thermodynamic stability) has been performed at Invitae for this missense variant, however the output from this modeling did not meet the statistical confidence thresholds required to predict the impact of this variant on COL4A2 protein function. This variant has not been reported in the literature in individuals affected with COL4A2-related conditions. This variant is not present in population databases (gnomAD no frequency). This sequence change replaces glycine, which is neutral and non-polar, with serine, which is neutral and polar, at codon 696 of the COL4A2 protein (p.Gly696Ser).